The following is an entry in ClinVar:

NM_004525.3(LRP2):c.8177G>C (p.Gly2726Ala)

Gene: LRP2 (LDL receptor related protein 2; minus strand). Cytogenetic location: 2q31.1.
Variant type: single nucleotide variant.
Coding change: c.8177G>C on transcript NM_004525.3 (MANE Select); coding-DNA position 8177, G replaced by C.
Protein change: p.Gly2726Ala; replaces glycine 2726 with alanine.
Molecular consequence: missense variant.
Genome position (GRCh38, 1-based): chr2:169,202,788, C>G on the plus strand (G>C on the coding strand, the complement: LRP2 is on the minus strand). VCF-style: chr2-169202788-C-G. GRCh37 (hg19) VCF-style: chr2-170059298-C-G.
Other names: c.8177G>C (NM_004525.2); short protein forms G2726A.
Identifiers: ClinVar variation 1091051 (VCV001091051.14), dbSNP rs144594832, ClinGen allele CA1953923.

ClinVar aggregate classification (germline): Conflicting classifications of pathogenicity. Review status: criteria provided, conflicting classifications (1 of 4 stars). 5 submissions from 5 submitters: Uncertain significance (3); Likely benign (1). 1 of the submissions does not count toward it. Last evaluated 2026-01-24.

Conditions:
LRP2-related disorder. Also called: LRP2-related condition.
Donnai-Barrow syndrome. Also called: DBS/FOAR SYNDROME; FACIOOCULOACOUSTICORENAL SYNDROME. Identifiers: Orphanet 2143, MedGen C1857277, MONDO:0009104, OMIM 222448.

Allele frequency attached by ClinVar (database versions not stated): 1000 Genomes Project 0.00060; gnomAD 0.00034 and 0.00032; TOPMed 0.00040; gnomAD exomes 0.00003 and 0.00007; ExAC 0.00010; ESP Exome Variant Server 0.00046; 1000 Genomes Project 30x 0.00047.
gnomAD v4.1: 90 of 1,614,206 alleles (0.0056%); highest among the groups gnomAD compares: African/African-American, 0.11%; no homozygotes.

Submissions (5):

Labcorp Genetics (formerly Invitae), Labcorp
Classification: Likely benign. Last evaluated: 2026-01-24. Review status: criteria provided, single submitter. Criteria: Invitae Variant Classification Sherloc (09022015). Collection method: clinical testing. Allele origin: germline.

GeneDx
Classification: Uncertain significance. Last evaluated: 2025-08-23. Review status: criteria provided, single submitter. Criteria: GeneDx Variant Classification Process June 2021. Collection method: clinical testing. Allele origin: germline. Affected: yes.
Comment: In silico analysis supports that this missense variant has a deleterious effect on protein structure/function; Has not been previously published as pathogenic or benign to our knowledge

Fulgent Genetics
Classification: Uncertain significance for Donnai-Barrow syndrome. Last evaluated: 2024-05-21. Review status: criteria provided, single submitter. Criteria: ACMG Guidelines, 2015. Collection method: clinical testing. Allele origin: germline.

Blueprint Genetics
Classification: Uncertain significance. Last evaluated: 2024-02-22. Review status: criteria provided, single submitter. Criteria: ACMG Guidelines, 2015. Collection method: clinical testing. Allele origin: germline.

PreventionGenetics, part of Exact Sciences
Classification: Uncertain significance for LRP2-related condition. Last evaluated: 2024-05-21. Review status: no assertion criteria provided. Collection method: clinical testing. Allele origin: germline. Not counted in ClinVar's aggregate classification.
Comment: The LRP2 c.8177G>C variant is predicted to result in the amino acid substitution p.Gly2726Ala. To our knowledge, this variant has not been reported in the literature. This variant is reported in 0.14% of alleles in individuals of African descent in gnomAD. Although we suspect that this variant may be benign, at this time, the clinical significance of this variant is uncertain due to the absence of conclusive functional and genetic evidence.